The following is an entry in ClinVar:

ClinVar aggregate classification (germline): Uncertain significance (1 of 4 stars; one submission).

gnomAD v4.1: 3 of 1,612,578 alleles (0.00019%); highest among the groups gnomAD compares: Non-Finnish European, 0.000085%; no homozygotes.

Submission:

GeneDx
Classification: Uncertain significance. Last evaluated: 2020-06-29. Review status: criteria provided, single submitter. Criteria: GeneDx Variant Classification Process June 2021. Collection method: clinical testing. Allele origin: germline. Affected: yes.
Comment: Not observed in large population cohorts (Lek et al., 2016); In silico analysis supports a deleterious effect on splicing; Has not been previously published as pathogenic or benign to our knowledge

NM_080680.3(COL11A2):c.3042+4A>G

Gene: COL11A2 (collagen type XI alpha 2 chain; minus strand). Cytogenetic location: 6p21.32.
Variant type: single nucleotide variant.
Coding change: c.3042+4A>G on transcript NM_080680.3 (MANE Select); 4 bases into the intron after coding-DNA position 3042, A replaced by G.
Molecular consequence: intron variant.
Genome position (GRCh38, 1-based): chr6:33,172,046, T>C on the plus strand (A>G on the coding strand, the complement: COL11A2 is on the minus strand). VCF-style: chr6-33172046-T-C. GRCh37 (hg19) VCF-style: chr6-33139823-T-C.
Other names: c.2721+4A>G (NM_080679.3); c.2784+4A>G (NM_080681.3).
Identifiers: ClinVar variation 1312814 (VCV001312814.2), dbSNP rs2150549308, ClinGen allele CA2573052674.